The following is an entry in ClinVar:

NM_014297.5(ETHE1):c.449C>A (p.Ala150Asp)

Gene: ETHE1 (ETHE1 persulfide dioxygenase; minus strand). Cytogenetic location: 19q13.31.
Variant type: single nucleotide variant.
Coding change: c.449C>A on transcript NM_014297.5 (MANE Select); coding-DNA position 449, C replaced by A.
Protein change: p.Ala150Asp; replaces alanine 150 with aspartic acid.
Molecular consequence: missense variant.
Genome position (GRCh38, 1-based): chr19:43,511,493, G>T on the plus strand (C>A on the coding strand, the complement: ETHE1 is on the minus strand). VCF-style: chr19-43511493-G-T. GRCh37 (hg19) VCF-style: chr19-44015645-G-T.
Other names: c.416C>A, p.Ala139Asp (NM_001320867.2); c.80C>A, p.Ala27Asp (NM_001320868.2); c.155C>A, p.Ala52Asp (NM_001320869.2); short protein forms A52D, A150D, A27D, A139D.
Identifiers: ClinVar variation 1510619 (VCV001510619.8), dbSNP rs1971915274, ClinGen allele CA406175553.

ClinVar aggregate classification (germline): Uncertain significance (1 of 4 stars; one submission).

Conditions:
Ethylmalonic encephalopathy (EE). Also called: Syndrome of encephalopathy, petechiae, and ethylmalonic aciduria; EPEMA syndrome; Encephalopathy, petechiae, and ethylmalonic aciduria. Identifiers: Orphanet 51188, MedGen C1865349, MONDO:0011229, OMIM 602473. Disease mechanism: loss of function.

Submission:

Labcorp Genetics (formerly Invitae), Labcorp
Classification: Uncertain significance for Ethylmalonic encephalopathy. Last evaluated: 2021-03-20. Review status: criteria provided, single submitter. Criteria: Invitae Variant Classification Sherloc (09022015). Collection method: clinical testing. Allele origin: germline.
Comment: In summary, the available evidence is currently insufficient to determine the role of this variant in disease. Therefore, it has been classified as a Variant of Uncertain Significance. Advanced modeling of protein sequence and biophysical properties (such as structural, functional, and spatial information, amino acid conservation, physicochemical variation, residue mobility, and thermodynamic stability) performed at Invitae indicates that this missense variant is expected to disrupt ETHE1 protein function. This variant has not been reported in the literature in individuals with ETHE1-related conditions. This variant is not present in population databases (ExAC no frequency). This sequence change replaces alanine with aspartic acid at codon 150 of the ETHE1 protein (p.Ala150Asp). The alanine residue is moderately conserved and there is a moderate physicochemical difference between alanine and aspartic acid.